The following is an entry in ClinVar:

NM_001162501.2(TNRC6B):c.1067A>T (p.Asn356Ile)

Gene: TNRC6B (trinucleotide repeat containing adaptor 6B; plus strand). Cytogenetic location: 22q13.1.
Variant type: single nucleotide variant.
Coding change: c.1067A>T on transcript NM_001162501.2 (MANE Select); coding-DNA position 1067, A replaced by T.
Protein change: p.Asn356Ile; replaces asparagine 356 with isoleucine.
Molecular consequence: missense variant. On other transcripts: intron variant (1).
Genome position (GRCh38, 1-based): chr22:40,265,297, A>T. VCF-style: chr22-40265297-A-T. GRCh37 (hg19) VCF-style: chr22-40661301-A-T.
Other names: c.1067A>T, p.Asn356Ile (NM_015088.3); c.565+3124A>T (NM_001024843.2); short protein forms N356I.
Identifiers: ClinVar variation 2386998 (VCV002386998.6), dbSNP rs200804069, ClinGen allele CA10246634.

ClinVar aggregate classification (germline): Likely benign. Review status: criteria provided, multiple submitters, no conflicts (2 of 4 stars). 2 submissions from 2 submitters: Likely benign (2). Last evaluated 2026-04-01.

Conditions:
Inborn genetic diseases. Identifiers: MedGen C0950123, MeSH D030342.

Allele frequency attached by ClinVar (database versions not stated): 1000 Genomes Project 30x 0.00016; ESP Exome Variant Server 0.00017; gnomAD exomes 0.00018; ExAC 0.00023; gnomAD 0.00027; TOPMed 0.00034.
gnomAD v4.1: 312 of 1,614,010 alleles (0.019%); highest among the groups gnomAD compares: Middle Eastern, 0.17%; no homozygotes.

Submissions (2):

CeGaT Center for Human Genetics Tuebingen
Classification: Likely benign. Last evaluated: 2026-04-01. Review status: criteria provided, single submitter. Criteria: CeGaT Center For Human Genetics Tuebingen Variant Classification Criteria Version 2. Collection method: clinical testing. Allele origin: germline. Affected: yes. Observed: 1 variant allele.
Comment: TNRC6B: BS1

Ambry Genetics
Classification: Likely benign for Inborn genetic diseases. Last evaluated: 2022-02-24. Review status: criteria provided, single submitter. Criteria: Ambry Variant Classification Scheme 2023. Collection method: clinical testing. Allele origin: germline.